The following is an entry in ClinVar:

NM_004415.4(DSP):c.3319C>T (p.Leu1107Phe)

Gene: DSP (desmoplakin; plus strand). Cytogenetic location: 6p24.3.
Variant type: single nucleotide variant.
Coding change: c.3319C>T on transcript NM_004415.4 (MANE Select); coding-DNA position 3319, C replaced by T.
Protein change: p.Leu1107Phe; replaces leucine 1107 with phenylalanine.
Molecular consequence: missense variant.
Genome position (GRCh38, 1-based): chr6:7,579,509, C>T. VCF-style: chr6-7579509-C-T. GRCh37 (hg19) VCF-style: chr6-7579742-C-T.
Other names: c.3319C>T, p.Leu1107Phe (NM_001008844.3, NM_001319034.2); short protein forms L1107F.
Identifiers: ClinVar variation 1019030 (VCV001019030.9), dbSNP rs1759348638, ClinGen allele CA362683669.
Genomic context (GRCh38, chr6:7,579,509, plus strand): 5'-GAGCTGGATGGGAAGTCGGCTAAGCAAAATCTAGACAAGTGCTACGGCCAAATAAAAGAA[C>T]TCAATGAGAAGATCACCCGACTGACTTATGAGATTGAAGATGAAAAGAGAAGAAGAAAAT-3'
Protein context (NP_004406.2, residues 1097-1117): LDKCYGQIKE[Leu1107Phe]NEKITRLTYE

ClinVar aggregate classification (germline): Uncertain significance (1 of 4 stars; one submission).

Conditions:
Arrhythmogenic right ventricular dysplasia 8 (ARVD8). Also called: ARRHYTHMOGENIC RIGHT VENTRICULAR DYSPLASIA, FAMILIAL, 8; Arrhythmogenic Right Ventricular Dysplasia/Cardiomyopathy 8; ARRHYTHMOGENIC RIGHT VENTRICULAR CARDIOMYOPATHY 8. Identifiers: MedGen C1843896, MONDO:0011831, OMIM 607450.
Arrhythmogenic cardiomyopathy with wooly hair and keratoderma. Also called: Dilated cardiomyopathy with woolly hair and keratoderma; Carvajal syndrome; Arrhythmogenic cardiomyopathy with woolly hair and keratoderma; PALMOPLANTAR KERATODERMA WITH LEFT VENTRICULAR CARDIOMYOPATHY AND WOOLLY HAIR. Identifiers: Orphanet 65282, MedGen C1854063, MONDO:0011581, OMIM 605676.

Submission:

Labcorp Genetics (formerly Invitae), Labcorp
Classification: Uncertain significance for Arrhythmogenic cardiomyopathy with wooly hair and keratoderma; Arrhythmogenic right ventricular dysplasia 8. Last evaluated: 2020-07-19. Review status: criteria provided, single submitter. Criteria: Invitae Variant Classification Sherloc (09022015). Collection method: clinical testing. Allele origin: germline.
Comment: Algorithms developed to predict the effect of missense changes on protein structure and function are either unavailable or do not agree on the potential impact of this missense change (SIFT: "Deleterious"; PolyPhen-2: "Probably Damaging"; Align-GVGD: "Class C15"). In summary, the available evidence is currently insufficient to determine the role of this variant in disease. Therefore, it has been classified as a Variant of Uncertain Significance. This variant has not been reported in the literature in individuals with DSP-related conditions. This variant is not present in population databases (ExAC no frequency). This sequence change replaces leucine with phenylalanine at codon 1107 of the DSP protein (p.Leu1107Phe). The leucine residue is highly conserved and there is a small physicochemical difference between leucine and phenylalanine.